The following is an entry in ClinVar:

ClinVar aggregate classification (germline): Uncertain significance (1 of 4 stars; one submission).

Submission:

Ambry Genetics
Classification: Uncertain significance. Last evaluated: 2024-08-18. Review status: criteria provided, single submitter. Criteria: Ambry Variant Classification Scheme 2023. Collection method: clinical testing. Allele origin: germline.
Comment: The p.N616T variant (also known as c.1847A>C), located in coding exon 13 of the NPAT gene, results from an A to C substitution at nucleotide position 1847. The asparagine at codon 616 is replaced by threonine, an amino acid with similar properties. This amino acid position is conserved. In addition, this alteration is predicted to be tolerated by in silico analysis. Based on the available evidence, the clinical significance of this variant remains unclear.

NM_002519.3(NPAT):c.1847A>C (p.Asn616Thr)

Gene: NPAT (nuclear protein, coactivator of histone transcription; minus strand). Cytogenetic location: 11q22.3.
Variant type: single nucleotide variant.
Coding change: c.1847A>C on transcript NM_002519.3 (MANE Select); coding-DNA position 1847, A replaced by C.
Protein change: p.Asn616Thr; replaces asparagine 616 with threonine.
Molecular consequence: missense variant.
Genome position (GRCh38, 1-based): chr11:108,173,137, T>G on the plus strand (A>C on the coding strand, the complement: NPAT is on the minus strand). VCF-style: chr11-108173137-T-G. GRCh37 (hg19) VCF-style: chr11-108043864-T-G.
Other names: c.1847A>C, p.Asn616Thr (NM_001321307.1); short protein forms N616T.
Identifiers: ClinVar variation 3407193 (VCV003407193.1).
Genomic context (GRCh38, chr11:108,173,137, plus strand): 5'-GATGGTTGTTTAGTAGAAGACAGCGAATCTCCAAGATGAATTTCTACTTGTCCAGATACA[T>G]TTAAATGTGAACTTTCAACAGACACAGGTAGTATTTCACTTTGAAGACAAGAATTATCTT-3'
Protein context (NP_002510.2, residues 606-626): LPVSVESSHL[Asn616Thr]VSGQVEIHLG